The following is an entry in ClinVar:

NM_001042492.3(NF1):c.7855C>T (p.Leu2619Phe)

Gene: NF1 (neurofibromin 1; plus strand). Cytogenetic location: 17q11.2.
Variant type: single nucleotide variant.
Coding change: c.7855C>T on transcript NM_001042492.3 (MANE Select); coding-DNA position 7855, C replaced by T.
Protein change: p.Leu2619Phe; replaces leucine 2619 with phenylalanine.
Molecular consequence: missense variant.
Genome position (GRCh38, 1-based): chr17:31,357,076, C>T. VCF-style: chr17-31357076-C-T. GRCh37 (hg19) VCF-style: chr17-29684094-C-T.
Other names: c.7792C>T, p.Leu2598Phe (NM_000267.4); short protein forms L2619F, L2598F.
Identifiers: ClinVar variation 1353583 (VCV001353583.8), dbSNP rs781437770, ClinGen allele CA8487673.
Genomic context (GRCh38, chr17:31,357,076, plus strand): 5'-TCTGAATCAAATGTTCTCTTGGATGAAGAAGTACTTACTGATCCGAAGATCCAGGCGCTG[C>T]TTCTTACTGTTCTAGTAAGGATTTCCCCTTTTTGAGTCCCCCACCCTCAAATTTTTATTC-3'
Protein context (NP_001035957.1, residues 2609-2629): VLTDPKIQAL[Leu2619Phe]LTVLATLVKY

ClinVar aggregate classification (germline): Uncertain significance. Review status: criteria provided, multiple submitters, no conflicts (2 of 4 stars). 3 submissions from 3 submitters: Uncertain significance (3). Last evaluated 2025-08-07.

Conditions:
Hereditary cancer-predisposing syndrome. Also called: Hereditary Cancer Syndrome; Hereditary neoplastic syndrome; Tumor predisposition; Neoplastic Syndromes, Hereditary. Identifiers: Orphanet 140162, MedGen C0027672, MeSH D009386, MONDO:0015356.
Cardiovascular phenotype. Identifiers: MedGen CN230736.
Neurofibromatosis, type 1 (NF1). Also called: NEUROFIBROMATOSIS, TYPE I, SOMATIC; VON RECKLINGHAUSEN DISEASE; Neurofibromatosis, type I; Peripheral type neurofibromatosis. Identifiers: Orphanet 636, MedGen C0027831, MONDO:0018975, OMIM 162200. Disease mechanism: loss of function.

Allele frequency attached by ClinVar (database versions not stated): gnomAD exomes below 0.00001; ExAC 0.00001.

Submissions (3):

Ambry Genetics
Classification: Uncertain significance for Cardiovascular phenotype; Hereditary cancer-predisposing syndrome. Last evaluated: 2025-08-07. Review status: criteria provided, single submitter. Criteria: Ambry Variant Classification Scheme 2023. Collection method: clinical testing. Allele origin: germline.
Comment: The p.L2598F variant (also known as c.7792C>T), located in coding exon 52 of the NF1 gene, results from a C to T substitution at nucleotide position 7792. The leucine at codon 2598 is replaced by phenylalanine, an amino acid with highly similar properties. This amino acid position is conserved. In addition, the in silico prediction for this alteration is inconclusive. Based on the available evidence, the clinical significance of this variant remains unclear.

GeneDx
Classification: Uncertain significance. Last evaluated: 2024-11-19. Review status: criteria provided, single submitter. Criteria: GeneDx Variant Classification Process June 2021. Collection method: clinical testing. Allele origin: germline. Affected: yes.
Comment: In silico analysis indicates that this missense variant does not alter protein structure/function; Has not been previously published as pathogenic or benign to our knowledge; This variant is associated with the following publications: (PMID: 30274822, 36243179, 25486365)

Labcorp Genetics (formerly Invitae), Labcorp
Classification: Uncertain significance for Neurofibromatosis, type 1. Last evaluated: 2022-02-19. Review status: criteria provided, single submitter. Criteria: Invitae Variant Classification Sherloc (09022015). Collection method: clinical testing. Allele origin: germline.
Comment: In summary, the available evidence is currently insufficient to determine the role of this variant in disease. Therefore, it has been classified as a Variant of Uncertain Significance. Algorithms developed to predict the effect of missense changes on protein structure and function are either unavailable or do not agree on the potential impact of this missense change (SIFT: "Deleterious"; PolyPhen-2: "Probably Damaging"; Align-GVGD: "Class C0"). This variant has not been reported in the literature in individuals affected with NF1-related conditions. This variant is present in population databases (rs781437770, gnomAD 0.0009%). This sequence change replaces leucine, which is neutral and non-polar, with phenylalanine, which is neutral and non-polar, at codon 2598 of the NF1 protein (p.Leu2598Phe).